The following is an entry in ClinVar:

ClinVar aggregate classification (germline): Uncertain significance (1 of 4 stars; one submission).

Submission:

Labcorp Genetics (formerly Invitae), Labcorp
Classification: Uncertain significance. Last evaluated: 2024-11-28. Review status: criteria provided, single submitter. Criteria: Invitae Variant Classification Sherloc (09022015). Collection method: clinical testing. Allele origin: germline.
Comment: This sequence change replaces glycine, which is neutral and non-polar, with aspartic acid, which is acidic and polar, at codon 856 of the JAK2 protein (p.Gly856Asp). This variant is not present in population databases (gnomAD no frequency). This variant has not been reported in the literature in individuals affected with JAK2-related conditions. Invitae Evidence Modeling of protein sequence and biophysical properties (such as structural, functional, and spatial information, amino acid conservation, physicochemical variation, residue mobility, and thermodynamic stability) indicates that this missense variant is expected to disrupt JAK2 protein function with a positive predictive value of 80%. In summary, the available evidence is currently insufficient to determine the role of this variant in disease. Therefore, it has been classified as a Variant of Uncertain Significance.

NM_004972.4(JAK2):c.2567G>A (p.Gly856Asp)

Genes: INSL6 (insulin like 6; minus strand), JAK2 (Janus kinase 2; plus strand). Cytogenetic location: 9p24.1.
Variant type: single nucleotide variant.
Coding change: c.2567G>A on transcript NM_004972.4 (MANE Select); coding-DNA position 2567, G replaced by A.
Protein change: p.Gly856Asp; replaces glycine 856 with aspartic acid.
Molecular consequence: missense variant. On other transcripts: non-coding transcript variant (2).
Genome position (GRCh38, 1-based): chr9:5,081,857, G>A. VCF-style: chr9-5081857-G-A. GRCh37 (hg19) VCF-style: chr9-5081857-G-A.
Other names: c.2567G>A, p.Gly856Asp (NM_001322194.2, NM_001322195.2, NM_001322196.2); c.1352G>A, p.Gly451Asp (NM_001322198.2, NM_001322199.2); c.2120G>A, p.Gly707Asp (NM_001322204.2); short protein forms G856D, G451D, G707D.
Identifiers: ClinVar variation 3666647 (VCV003666647.2).